The following is an entry in ClinVar:

ClinVar aggregate classification (germline): Uncertain significance (1 of 4 stars; one submission).

Submission:

Labcorp Genetics (formerly Invitae), Labcorp
Classification: Uncertain significance. Last evaluated: 2022-02-01. Review status: criteria provided, single submitter. Criteria: Invitae Variant Classification Sherloc (09022015). Collection method: clinical testing. Allele origin: germline.
Comment: In summary, the available evidence is currently insufficient to determine the role of this variant in disease. Therefore, it has been classified as a Variant of Uncertain Significance. Experimental studies and prediction algorithms are not available or were not evaluated, and the functional significance of this variant is currently unknown. This variant has not been reported in the literature in individuals affected with CPLANE1-related conditions. This variant is not present in population databases (gnomAD no frequency). This variant, c.5597_5605del, is a complex sequence change that results in the deletion of 4 and insertion of 1 amino acid(s) in the CPLANE1 protein (p.Pro1866_Lys1869delinsGln).

NM_001384732.1(CPLANE1):c.5597_5605del (p.Pro1866_Lys1869delinsGln)

Gene: CPLANE1 (ciliogenesis and planar polarity effector complex subunit 1; minus strand). Cytogenetic location: 5p13.2.
Variant type: Deletion.
Coding change: c.5597_5605del on transcript NM_001384732.1 (MANE Select); coding-DNA positions 5597 to 5605, 9 bases deleted (CTGATATAA; older notation c.5597_5605delCTGATATAA).
Protein change: p.Pro1866_Lys1869delinsGln.
Molecular consequence: inframe indel.
Genome position (GRCh38, 1-based): chr5:37,180,149-37,180,157, TTATATCAG deleted on the plus strand (CTGATATAA on the coding strand, the reverse complement: CPLANE1 is on the minus strand). VCF-style (leftmost placement, unchanged base first): chr5-37180148-TTTATATCAG-T. GRCh37 (hg19) VCF-style: chr5-37180250-TTTATATCAG-T.
Other names: c.5597_5605del, p.Pro1866_Lys1869delinsGln (NM_023073.4).
Identifiers: ClinVar variation 2072005 (VCV002072005.4), dbSNP rs2547773470, ClinGen allele CA2580073248.
Genomic context (GRCh38, chr5:37,180,148, plus strand): 5'-ATATCTATAAATTCTTTTTTAGTATTATGAGTGATGGAAATAATATCATCATTGATTTCT[TTTATATCAG>T]GATTTTTTGCTTCAGTTGGCATTCTACTGAAAAAAATGCAGCAACTAAAATTACAACTAT-3'